The following is an entry in ClinVar:

NM_007294.4(BRCA1):c.1700dup (p.Asn567fs)

Gene: BRCA1 (BRCA1 DNA repair associated; minus strand). Cytogenetic location: 17q21.31.
Variant type: Duplication.
Coding change: c.1700dup on transcript NM_007294.4 (MANE Select); coding-DNA position 1700, one base duplicated (A; older notation c.1700dupA).
Protein change: p.Asn567fs; shifts the reading frame from asparagine 567.
Molecular consequence: frameshift variant. On other transcripts: intron variant (137).
Genome position (GRCh38, 1-based): chr17:43,093,831, T duplicated on the plus strand (A on the coding strand, the reverse complement: BRCA1 is on the minus strand); the first of 5 consecutive T bases (chr17:43,093,831-43,093,835); duplicating any one gives the same sequence. VCF-style (leftmost placement, unchanged base first): chr17-43093830-A-AT. GRCh37 (hg19) VCF-style: chr17-41245847-A-AT.
Other names: 1819insA; c.1700dupA (NM_007294.3); c.1487dup, p.Asn496fs (NM_001407571.1, NM_001407896.1, NM_001407897.1 and 9 more transcripts); c.1700dup, p.Asn567fs (NM_001407581.1, NM_001407582.1, NM_001407583.1 and 30 more transcripts); c.1697dup, p.Asn566fs (NM_001407587.1, NM_001407590.1, NM_001407591.1 and 22 more transcripts); c.1622dup, p.Asn541fs (NM_001407653.1, NM_001407654.1, NM_001407655.1 and 4 more transcripts); c.1619dup, p.Asn540fs (NM_001407659.1, NM_001407660.1, NM_001407661.1 and 1 more transcripts); c.1574dup, p.Asn525fs (NM_001407671.1, NM_001407672.1, NM_001407673.1 and 11 more transcripts); and 42 more; short protein forms N567fs, N520fs, N399fs, N478fs, N499fs, N439fs, N497fs, N500fs.
Identifiers: ClinVar variation 125508 (VCV000125508.13), dbSNP rs80357784, ClinGen allele CA001112.

ClinVar aggregate classification (germline): Pathogenic. Review status: reviewed by expert panel (3 of 4 stars). 5 submissions from 5 submitters: Pathogenic (1). 4 of the submissions do not count toward it. Last evaluated 2016-09-08.

Conditions:
Hereditary cancer-predisposing syndrome. Also called: Tumor predisposition; Hereditary neoplastic syndrome; Hereditary Cancer Syndrome; Neoplastic Syndromes, Hereditary. Identifiers: Orphanet 140162, MedGen C0027672, MeSH D009386, MONDO:0015356.
Hereditary breast ovarian cancer syndrome. Also called: Hereditary breast and/or ovarian cancer syndrome; Breast and ovarian cancer; Hereditary breast and ovarian cancer syndrome; Hereditary breast and ovarian cancer; Hereditary breast and ovarian cancer syndrome (HBOC); BRCA1- and BRCA2-Associated Hereditary Breast and Ovarian Cancer. Identifiers: Orphanet 145, MedGen C0677776, MeSH D061325, MONDO:0003582. Disease mechanism: loss of function.
Breast-ovarian cancer, familial, susceptibility to, 1 (BROVCA1). Also called: BRCA1 Hereditary Breast and Ovarian Cancer; OVARIAN CANCER, SUSCEPTIBILITY TO. Identifiers: Orphanet 145, MedGen C2676676, MONDO:0011450, OMIM 604370. Disease mechanism: loss of function.

Submissions (5):

Evidence-based Network for the Interpretation of Germline Mutant Alleles (ENIGMA)
Classification: Pathogenic for Breast-ovarian cancer, familial, susceptibility to, 1. Last evaluated: 2016-09-08. Review status: reviewed by expert panel. Criteria: ENIGMA BRCA1/2 Classification Criteria (2015). Collection method: curation. Allele origin: germline.
Comment: Variant allele predicted to encode a truncated non-functional protein.

Labcorp Genetics (formerly Invitae), Labcorp
Classification: Pathogenic for Hereditary breast ovarian cancer syndrome. Last evaluated: 2025-07-31. Review status: criteria provided, single submitter. Criteria: Invitae Variant Classification Sherloc (09022015). Collection method: clinical testing. Allele origin: germline. Not counted in ClinVar's aggregate classification.
Comment: This sequence change creates a premature translational stop signal (p.Asn567Lysfs*3) in the BRCA1 gene. It is expected to result in an absent or disrupted protein product. Loss-of-function variants in BRCA1 are known to be pathogenic (PMID: 20104584). This variant is not present in population databases (gnomAD no frequency). This premature translational stop signal has been observed in individual(s) with breast, ovarian, or pancreatic cancer (PMID: 27882536). ClinVar contains an entry for this variant (Variation ID: 125508). For these reasons, this variant has been classified as Pathogenic.

Ambry Genetics
Classification: Pathogenic for Hereditary cancer-predisposing syndrome. Last evaluated: 2021-05-06. Review status: criteria provided, single submitter. Criteria: Ambry Variant Classification Scheme 2023. Collection method: clinical testing. Allele origin: germline. Not counted in ClinVar's aggregate classification.
Comment: The c.1700dupA pathogenic mutation, located in coding exon 9 of the BRCA1 gene, results from a duplication of A at nucleotide position 1700, causing a translational frameshift with a predicted alternate stop codon (p.N567Kfs*3). This alteration was identified in multiple individuals diagnosed with either breast, ovarian, or pancreatic cancer (Loizidou MA et al. Clin Genet, 2017 Apr;91:611-615; Jiang Y et al. Biomed Res Int, 2020 Aug;2020:6739823). In addition to the clinical data presented in the literature, this alteration is expected to result in loss of function by premature protein truncation or nonsense-mediated mRNA decay. As such, this alteration is interpreted as a disease-causing mutation.

Department of Pathology and Laboratory Medicine, Sinai Health System
Classification: Pathogenic for Hereditary breast ovarian cancer syndrome. Last evaluated: 2014-08-21. Review status: criteria provided, single submitter. Criteria: ACMG Guidelines, 2015. Collection method: clinical testing. Allele origin: germline. Affected: yes. Study: The Canadian Open Genetics Repository (COGR). Not counted in ClinVar's aggregate classification.

Breast Cancer Information Core (BIC) (BRCA1)
Classification: Pathogenic for Breast-ovarian cancer, familial 1. Last evaluated: 2002-06-20. Review status: no assertion criteria provided. Collection method: clinical testing. Allele origin: germline. Affected: yes. Observed: 1 variant allele. Not counted in ClinVar's aggregate classification.

Literature cited by the submitters: PubMed 20104584 (cited by Labcorp Genetics (formerly Invitae), Labcorp); PubMed 27882536 (cited by Labcorp Genetics (formerly Invitae), Labcorp and Ambry Genetics); PubMed 32879886 (cited by Ambry Genetics).